The following is an entry in ClinVar:

NM_001792.5(CDH2):c.647_662dup (p.Thr222fs)

Gene: CDH2 (cadherin 2; minus strand). Cytogenetic location: 18q12.1.
Variant type: Duplication.
Coding change: c.647_662dup on transcript NM_001792.5 (MANE Select); coding-DNA positions 647 to 662, 16 bases duplicated (CGGGTCAGCTGTCGGT).
Protein change: p.Thr222fs; shifts the reading frame from threonine 222.
Molecular consequence: frameshift variant.
Genome position (GRCh38, 1-based): chr18:28,009,757-28,009,772, ACCGACAGCTGACCCG duplicated on the plus strand (CGGGTCAGCTGTCGGT on the coding strand, the reverse complement: CDH2 is on the minus strand); duplicating any 16 consecutive bases within chr18:28,009,757-28,009,773 gives the same sequence; the c. name uses the placement nearest the transcript's 3' end. VCF-style (leftmost placement, unchanged base first): chr18-28009756-C-CACCGACAGCTGACCCG. GRCh37 (hg19) VCF-style: chr18-25589720-C-CACCGACAGCTGACCCG.
Other names: c.554_569dup, p.Thr191fs (NM_001308176.2); short protein forms T191fs, T222fs.
Identifiers: ClinVar variation 2117809 (VCV002117809.4), dbSNP rs2510814382, ClinGen allele CA2580095686.
Genomic context (GRCh38, chr18:28,009,756, plus strand): 5'-ATCAGCTGGTTGGAATCTTACATGAAACCGGGCTATCTGCTCGCGATCCAGGGGCTTTGT[C>CACCGACAGCTGACCCG]ACCGACAGCTGACCCGAGATGGGGTTGATAATGAAGATACCAGTTGGAGGCTGGTCAGCT-3'

ClinVar aggregate classification (germline): Uncertain significance (1 of 4 stars; one submission).

Submission:

Labcorp Genetics (formerly Invitae), Labcorp
Classification: Uncertain significance. Last evaluated: 2022-03-26. Review status: criteria provided, single submitter. Criteria: Invitae Variant Classification Sherloc (09022015). Collection method: clinical testing. Allele origin: germline.
Comment: In summary, the available evidence is currently insufficient to determine the role of this variant in disease. Therefore, it has been classified as a Variant of Uncertain Significance. This variant has not been reported in the literature in individuals affected with CDH2-related conditions. This variant is not present in population databases (gnomAD no frequency). This sequence change creates a premature translational stop signal (p.Thr222Glyfs*27) in the CDH2 gene. It is expected to result in an absent or disrupted protein product. However, the current clinical and genetic evidence is not sufficient to establish whether loss-of-function variants in CDH2 cause disease.